The following is an entry in ClinVar:

NM_000222.3(KIT):c.37G>A (p.Val13Ile)

Gene: KIT (KIT proto-oncogene, receptor tyrosine kinase; plus strand). Cytogenetic location: 4q12.
Variant type: single nucleotide variant.
Coding change: c.37G>A on transcript NM_000222.3 (MANE Select); coding-DNA position 37, G replaced by A.
Protein change: p.Val13Ile; replaces valine 13 with isoleucine.
Molecular consequence: missense variant.
Genome position (GRCh38, 1-based): chr4:54,658,051, G>A. VCF-style: chr4-54658051-G-A. GRCh37 (hg19) VCF-style: chr4-55524218-G-A.
Other names: c.37G>A, p.Val13Ile (NM_001093772.2, NM_001385284.1, NM_001385285.1 and 4 more transcripts); c.37G>A (NM_000222.2); short protein forms V13I.
Identifiers: ClinVar variation 1433303 (VCV001433303.9), dbSNP rs753316557, ClinGen allele CA2923114.

ClinVar aggregate classification (germline): Conflicting classifications of pathogenicity. Review status: criteria provided, conflicting classifications (1 of 4 stars). 2 submissions from 2 submitters: Uncertain significance (1); Likely benign (1). Last evaluated 2026-01-10.

Conditions:
Gastrointestinal stromal tumor. Also called: Gastrointestinal stroma tumor; Gastrointestinal stromal tumor, somatic. Identifiers: Orphanet 44890, MedGen C0238198, MeSH D046152, MONDO:0011719, OMIM 606764, HP:0100723.
Hereditary cancer-predisposing syndrome. Also called: Hereditary neoplastic syndrome; Tumor predisposition; Hereditary Cancer Syndrome; Neoplastic Syndromes, Hereditary. Identifiers: Orphanet 140162, MedGen C0027672, MeSH D009386, MONDO:0015356.

Allele frequency attached by ClinVar (database versions not stated): gnomAD exomes below 0.00001; ExAC 0.00001.
gnomAD v4.1: 5 of 1,613,846 alleles (0.00031%); highest among the groups gnomAD compares: East Asian, 0.0089%; no homozygotes.

Submissions (2):

Labcorp Genetics (formerly Invitae), Labcorp
Classification: Uncertain significance for Gastrointestinal stromal tumor. Last evaluated: 2026-01-10. Review status: criteria provided, single submitter. Criteria: Invitae Variant Classification Sherloc (09022015). Collection method: clinical testing. Allele origin: germline.
Comment: This sequence change replaces valine, which is neutral and non-polar, with isoleucine, which is neutral and non-polar, at codon 13 of the KIT protein (p.Val13Ile). This variant is present in population databases (rs753316557, gnomAD 0.006%). This variant has not been reported in the literature in individuals affected with KIT-related conditions. ClinVar contains an entry for this variant (Variation ID: 1433303). An algorithm developed to predict the effect of missense changes on protein structure and function (PolyPhen-2) suggests that this variant is likely to be tolerated. In summary, the available evidence is currently insufficient to determine the role of this variant in disease. Therefore, it has been classified as a Variant of Uncertain Significance.

Ambry Genetics
Classification: Likely benign for Hereditary cancer-predisposing syndrome. Last evaluated: 2025-08-04. Review status: criteria provided, single submitter. Criteria: Ambry Variant Classification Scheme 2023. Collection method: clinical testing. Allele origin: germline.